The following is an entry in ClinVar:

NM_001286577.2(C2CD3):c.461C>G (p.Ser154Cys)

Gene: C2CD3 (C2 domain containing 3 centriole elongation regulator; minus strand). Cytogenetic location: 11q13.4.
Variant type: single nucleotide variant.
Coding change: c.461C>G on transcript NM_001286577.2 (MANE Select); coding-DNA position 461, C replaced by G.
Protein change: p.Ser154Cys; replaces serine 154 with cysteine.
Molecular consequence: missense variant.
Genome position (GRCh38, 1-based): chr11:74,161,421, G>C on the plus strand (C>G on the coding strand, the complement: C2CD3 is on the minus strand). VCF-style: chr11-74161421-G-C. GRCh37 (hg19) VCF-style: chr11-73872466-G-C.
Other names: c.461C>G (NM_015531.4); c.461C>G, p.Ser154Cys (NM_015531.6); short protein forms S154C.
Identifiers: ClinVar variation 1367245 (VCV001367245.8), dbSNP rs140484776, ClinGen allele CA6183227.

ClinVar aggregate classification (germline): Conflicting classifications of pathogenicity. Review status: criteria provided, conflicting classifications (1 of 4 stars). 3 submissions from 3 submitters: Uncertain significance (2); Likely benign (1). Last evaluated 2026-05-21.

Conditions:
Inborn genetic diseases. Identifiers: MedGen C0950123, MeSH D030342.

Allele frequency attached by ClinVar (database versions not stated): ESP Exome Variant Server 0.00023; gnomAD 0.00043 and 0.00042; gnomAD exomes 0.00001 and 0.00009; ExAC 0.00013; 1000 Genomes Project 0.00080; 1000 Genomes Project 30x 0.00109; TOPMed 0.00041.
gnomAD v4.1: 83 of 1,583,930 alleles (0.0052%); highest among the groups gnomAD compares: African/African-American, 0.097%; no homozygotes.

Submissions (3):

Women's Health and Genetics/Laboratory Corporation of America, LabCorp
Classification: Uncertain significance. Last evaluated: 2026-05-21. Review status: criteria provided, single submitter. Criteria: LabCorp Variant Classification Summary - May 2015. Collection method: clinical testing. Allele origin: germline.
Comment: Variant summary: C2CD3 c.461C>G (p.Ser154Cys) results in a non-conservative amino acid change in the encoded protein sequence. Algorithms developed to predict the effect of missense changes on protein structure and function are either unavailable or do not agree on the potential impact of this missense change. The variant allele was found at a frequency of 9.3e-05 in 226260 control chromosomes. This frequency is not significantly higher than estimated for disease-causing variants in C2CD3, allowing no conclusion about variant significance. To our knowledge, no occurrence of c.461C>G in individuals affected with C2CD3-related conditions and no experimental evidence demonstrating its impact on protein function have been reported. ClinVar contains an entry for this variant (Variation ID: 1367245). Based on the evidence outlined above, the variant was classified as uncertain significance.

Labcorp Genetics (formerly Invitae), Labcorp
Classification: Likely benign. Last evaluated: 2024-07-17. Review status: criteria provided, single submitter. Criteria: Invitae Variant Classification Sherloc (09022015). Collection method: clinical testing. Allele origin: germline.

Ambry Genetics
Classification: Uncertain significance for Inborn genetic diseases. Last evaluated: 2021-12-20. Review status: criteria provided, single submitter. Criteria: Ambry Variant Classification Scheme 2023. Collection method: clinical testing. Allele origin: germline.